The following is an entry in ClinVar:

ClinVar aggregate classification (germline): Uncertain significance (1 of 4 stars; one submission).

Conditions:
Joubert syndrome. Also called: CEREBELLOPARENCHYMAL DISORDER IV; JOUBERT-BOLTSHAUSER SYNDROME; Familial aplasia of the vermis. Identifiers: Orphanet 475, MedGen C5979921, MONDO:0018772.
Meckel-Gruber syndrome. Also called: DYSENCEPHALIA SPLANCHNOCYSTICA; GRUBER SYNDROME; Dysencephalia splachnocystica. Identifiers: Orphanet 564, MedGen C0265215, MONDO:0018921.

Submission:

Labcorp Genetics (formerly Invitae), Labcorp
Classification: Uncertain significance for Joubert syndrome; Meckel-Gruber syndrome. Last evaluated: 2021-09-26. Review status: criteria provided, single submitter. Criteria: Invitae Variant Classification Sherloc (09022015). Collection method: clinical testing. Allele origin: germline.
Comment: This variant has not been reported in the literature in individuals affected with TMEM67-related conditions. This variant is not present in population databases (ExAC no frequency). This sequence change replaces threonine with serine at codon 328 of the TMEM67 protein (p.Thr328Ser). The threonine residue is weakly conserved and there is a small physicochemical difference between threonine and serine. Advanced modeling of protein sequence and biophysical properties (such as structural, functional, and spatial information, amino acid conservation, physicochemical variation, residue mobility, and thermodynamic stability) performed at Invitae indicates that this missense variant is not expected to disrupt TMEM67 protein function. In summary, the available evidence is currently insufficient to determine the role of this variant in disease. Therefore, it has been classified as a Variant of Uncertain Significance.

NM_153704.6(TMEM67):c.982A>T (p.Thr328Ser)

Gene: TMEM67 (transmembrane protein 67; plus strand). Cytogenetic location: 8q22.1.
Variant type: single nucleotide variant.
Coding change: c.982A>T on transcript NM_153704.6 (MANE Select); coding-DNA position 982, A replaced by T.
Protein change: p.Thr328Ser; replaces threonine 328 with serine.
Molecular consequence: missense variant. On other transcripts: non-coding transcript variant (1).
Genome position (GRCh38, 1-based): chr8:93,781,661, A>T. VCF-style: chr8-93781661-A-T. GRCh37 (hg19) VCF-style: chr8-94793889-A-T.
Other names: c.739A>T, p.Thr247Ser (NM_001142301.1); short protein forms T247S, T328S.
Identifiers: ClinVar variation 1418164 (VCV001418164.6), dbSNP rs2130668443, ClinGen allele CA371688838.